The following is an entry in ClinVar:

ClinVar aggregate classification (germline): Uncertain significance (1 of 4 stars; one submission).

Conditions:
Ehlers-Danlos syndrome, kyphoscoliotic type 1 (EDSKSCL1). Also called: EHLERS-DANLOS SYNDROME, TYPE VIA; Ehlers-Danlos syndrome, hydroxylysine-deficient; EHLERS-DANLOS SYNDROME, OCULAR-SCOLIOTIC TYPE; PLOD1-Related Kyphoscoliotic Ehlers-Danlos Syndrome. Identifiers: Orphanet 1900, MedGen C0268342, MONDO:0016002, OMIM 225400. Disease mechanism: loss of function.

Submission:

Labcorp Genetics (formerly Invitae), Labcorp
Classification: Uncertain significance for Ehlers-Danlos syndrome, kyphoscoliotic type 1. Last evaluated: 2017-03-26. Review status: criteria provided, single submitter. Criteria: Invitae Variant Classification Sherloc (09022015). Collection method: clinical testing. Allele origin: germline.
Comment: This sequence change replaces aspartic acid with alanine at codon 382 of the PLOD1 protein (p.Asp382Ala). The aspartic acid residue is highly conserved and there is a moderate physicochemical difference between aspartic acid and alanine. This variant is not present in population databases (ExAC no frequency) and has not been reported in the literature in individuals with a PLOD1-related disease. Algorithms developed to predict the effect of missense changes on protein structure and function do not agree on the potential impact of this missense change (SIFT: "Deleterious"; PolyPhen-2: "Possibly Damaging"; Align-GVGD: "Class C0"). In summary, this variant is a novel missense change with uncertain impact on protein function. It has been classified as a Variant of Uncertain Significance.

NM_000302.4(PLOD1):c.1145A>C (p.Asp382Ala)

Gene: PLOD1 (procollagen-lysine,2-oxoglutarate 5-dioxygenase 1; plus strand). Cytogenetic location: 1p36.22.
Variant type: single nucleotide variant.
Coding change: c.1145A>C on transcript NM_000302.4 (MANE Select); coding-DNA position 1145, A replaced by C.
Protein change: p.Asp382Ala; replaces aspartic acid 382 with alanine.
Molecular consequence: missense variant.
Genome position (GRCh38, 1-based): chr1:11,963,579, A>C. VCF-style: chr1-11963579-A-C. GRCh37 (hg19) VCF-style: chr1-12023636-A-C.
Other names: c.1286A>C, p.Asp429Ala (NM_001316320.2); short protein forms D382A, D429A.
Identifiers: ClinVar variation 459804 (VCV000459804.9), dbSNP rs998178222, ClinGen allele CA338439989.